The following is an entry in ClinVar:

NM_004304.5(ALK):c.1817+6C>A

Gene: ALK (ALK receptor tyrosine kinase; minus strand). Cytogenetic location: 2p23.2.
Variant type: single nucleotide variant.
Coding change: c.1817+6C>A on transcript NM_004304.5 (MANE Select); 6 bases into the intron after coding-DNA position 1817, C replaced by A.
Molecular consequence: intron variant.
Genome position (GRCh38, 1-based): chr2:29,296,882, G>T on the plus strand (C>A on the coding strand, the complement: ALK is on the minus strand). VCF-style: chr2-29296882-G-T. GRCh37 (hg19) VCF-style: chr2-29519748-G-T.
Identifiers: ClinVar variation 656667 (VCV000656667.10), dbSNP rs1558658288, ClinGen allele CA915943740.

ClinVar aggregate classification (germline): Uncertain significance (1 of 4 stars; one submission).

Conditions:
Neuroblastoma, susceptibility to, 3. Also called: ALK-Related Neuroblastic Tumor Susceptibility. Identifiers: Orphanet 635, MedGen C2751681, MONDO:0013083, OMIM 613014.

Allele frequency attached by ClinVar (database versions not stated): gnomAD exomes below 0.00001; TOPMed below 0.00001.
gnomAD v4.1: 1 of 1,614,118 alleles (0.000062%); no homozygotes.

Submission:

Labcorp Genetics (formerly Invitae), Labcorp
Classification: Uncertain significance for Neuroblastoma, susceptibility to, 3. Last evaluated: 2026-01-01. Review status: criteria provided, single submitter. Criteria: Invitae Variant Classification Sherloc (09022015). Collection method: clinical testing. Allele origin: germline.
Comment: This sequence change falls in intron 9 of the ALK gene. It does not directly change the encoded amino acid sequence of the ALK protein. It affects a nucleotide within the consensus splice site. This variant is not present in population databases (gnomAD no frequency). This variant has not been reported in the literature in individuals affected with ALK-related conditions. ClinVar contains an entry for this variant (Variation ID: 656667). Variants that disrupt the consensus splice site are a relatively common cause of aberrant splicing (PMID: 17576681, 9536098). Algorithms developed to predict the effect of sequence changes on RNA splicing suggest that this variant is not likely to affect RNA splicing. In summary, the available evidence is currently insufficient to determine the role of this variant in disease. Therefore, it has been classified as a Variant of Uncertain Significance.

Literature cited by the submitters: PubMed 17576681; PubMed 9536098.